The following is an entry in ClinVar:

NM_001018115.3(FANCD2):c.3599del (p.Ile1200fs)

Genes: FANCD2 (FA complementation group D2; plus strand), FANCD2OS (FANCD2 opposite strand; minus strand). Cytogenetic location: 3p25.3.
Variant type: Deletion.
Coding change: c.3599del on transcript NM_001018115.3 (MANE Select); coding-DNA position 3599, one base deleted (T; older notation c.3599delT).
Protein change: p.Ile1200fs; shifts the reading frame from isoleucine 1200.
Molecular consequence: frameshift variant. On other transcripts: intron variant (1).
Genome position (GRCh38, 1-based): chr3:10,088,866, T deleted. VCF-style (leftmost placement, unchanged base first): chr3-10088865-AT-A. GRCh37 (hg19) VCF-style: chr3-10130549-AT-A.
Other names: c.3599del, p.Ile1200fs (NM_033084.6, NM_001319984.2, NM_001374254.1); c.*44-7335del (NM_173472.2); c.3599delT, p.Ile1200Lysfs (NM_001018115.1); c.3488del, p.Ile1163fs (NM_001374253.1); short protein forms I1163fs, I1200fs.
Identifiers: ClinVar variation 929667 (VCV000929667.2), dbSNP rs1694404041, ClinGen allele CA1139657893.
Genomic context (GRCh38, chr3:10,088,865, plus strand): 5'-CAAATATTTGACTCTCAATGCAGTATCTACCTGGAGCACACAGAGAGCATTCTGAAGGCC[AT>A]AGAGGAGATTGCTGGTGTTGGTGTCCCAGAACTGATCAACTCTCCTAAAGATGCATCTTC-3'

ClinVar aggregate classification (germline): Pathogenic (0 of 4 stars; one submission).

Conditions:
Fanconi anemia complementation group D2. Also called: FANCD2-Related Fanconi Anemia; FANCONI PANCYTOPENIA, TYPE 4; FANCONI ANEMIA, COMPLEMENTATION GROUP D. Identifiers: Orphanet 84, MedGen C3160738, MONDO:0009214, OMIM 227646.

Submission:

Leiden Open Variation Database
Classification: Pathogenic for Fanconi anemia complementation group D2. Last evaluated: 2020-02-28. Review status: no assertion criteria provided. Collection method: curation. Allele origin: germline. Affected: yes.
Comment: Curator: Arleen D. Auerbach. Submitter to LOVD: Arleen D. Auerbach.

Literature cited by the submitters: PubMed 17436244.